The following is an entry in ClinVar:

NM_001003694.2(BRPF1):c.1784G>A (p.Arg595Gln)

Gene: BRPF1 (bromodomain and PHD finger containing 1; plus strand). Cytogenetic location: 3p25.3.
Variant type: single nucleotide variant.
Coding change: c.1784G>A on transcript NM_001003694.2 (MANE Select); coding-DNA position 1784, G replaced by A.
Protein change: p.Arg595Gln; replaces arginine 595 with glutamine.
Molecular consequence: missense variant. On other transcripts: non-coding transcript variant (1).
Genome position (GRCh38, 1-based): chr3:9,741,369, G>A. VCF-style: chr3-9741369-G-A. GRCh37 (hg19) VCF-style: chr3-9783053-G-A.
Other names: c.1784G>A, p.Arg595Gln (NM_001319049.2, NM_001319050.2, NM_001410704.1 and 1 more transcripts); short protein forms R595Q.
Identifiers: ClinVar variation 3776701 (VCV003776701.1).

ClinVar aggregate classification (germline): Uncertain significance (1 of 4 stars; one submission).

gnomAD v4.1: 1 of 1,609,276 alleles (0.000062%); highest among the groups gnomAD compares: Non-Finnish European, 0.000085%; no homozygotes.

Submission:

GeneDx
Classification: Uncertain significance. Last evaluated: 2024-10-03. Review status: criteria provided, single submitter. Criteria: GeneDx Variant Classification Process June 2021. Collection method: clinical testing. Allele origin: germline. Affected: yes.
Comment: In silico analysis supports that this missense variant has a deleterious effect on protein structure/function; Has not been previously published as pathogenic or benign to our knowledge